The following is an entry in ClinVar:

NM_022124.6(CDH23):c.4287C>T (p.Pro1429=)

Gene: CDH23 (cadherin related 23; plus strand). Cytogenetic location: 10q22.1.
Variant type: single nucleotide variant.
Coding change: c.4287C>T on transcript NM_022124.6 (MANE Select); coding-DNA position 4287, C replaced by T.
Protein change: p.Pro1429=; no amino-acid change (proline 1429 retained).
Molecular consequence: synonymous variant.
Genome position (GRCh38, 1-based): chr10:71,738,575, C>T. VCF-style: chr10-71738575-C-T. GRCh37 (hg19) VCF-style: chr10-73498332-C-T.
Identifiers: ClinVar variation 504711 (VCV000504711.41), dbSNP rs377493327, ClinGen allele CA5545005.
Genomic context (GRCh38, chr10:71,738,575, plus strand): 5'-GGACGAGAATGACAACAGCCCCCGGTTTGACTTCACCTCCGACTCGGCGGTCAGCATACC[C>T]GAGGACTGCCCTGTGGGCCAGCGAGTGGCTACTGTCAAGGCCTGGGACCCTGATGCTGGC-3'
Protein context (NP_071407.4, residues 1419-1439): DFTSDSAVSI[Pro1429=]EDCPVGQRVA

ClinVar aggregate classification (germline): Benign/Likely benign. Review status: criteria provided, multiple submitters, no conflicts (2 of 4 stars). 6 submissions from 6 submitters: Benign (1); Likely benign (4). 1 of the submissions does not count toward it. Last evaluated 2026-01-24.

Conditions:
CDH23-related disorder. Also called: CDH23-related disorders; CDH23-related condition.

Allele frequency attached by ClinVar (database versions not stated): gnomAD exomes 0.00011 and 0.00026; ExAC 0.00032; ESP Exome Variant Server 0.00055; 1000 Genomes Project 30x 0.00094; gnomAD 0.00097 and 0.00101; TOPMed 0.00100; 1000 Genomes Project 0.00120.
gnomAD v4.1: 326 of 1,613,922 alleles (0.02%); highest among the groups gnomAD compares: African/African-American, 0.33%; no homozygotes.

Submissions (6):

Labcorp Genetics (formerly Invitae), Labcorp
Classification: Benign. Last evaluated: 2026-01-24. Review status: criteria provided, single submitter. Criteria: Invitae Variant Classification Sherloc (09022015). Collection method: clinical testing. Allele origin: germline.

Blueprint Genetics
Classification: Likely benign. Last evaluated: 2024-10-31. Review status: criteria provided, single submitter. Criteria: ACMG Guidelines, 2015. Collection method: clinical testing. Allele origin: germline.

CeGaT Center for Human Genetics Tuebingen
Classification: Likely benign. Last evaluated: 2024-02-01. Review status: criteria provided, single submitter. Criteria: CeGaT Center For Human Genetics Tuebingen Variant Classification Criteria Version 2. Collection method: clinical testing. Allele origin: germline. Affected: yes. Observed: 1 variant allele.
Comment: CDH23: BP4, BP7

GeneDx
Classification: Likely benign. Last evaluated: 2021-01-20. Review status: criteria provided, single submitter. Criteria: GeneDx Variant Classification Process June 2021. Collection method: clinical testing. Allele origin: germline. Affected: yes.

Laboratory for Molecular Medicine, Mass General Brigham Personalized Medicine
Classification: Likely benign. Last evaluated: 2016-04-18. Review status: criteria provided, single submitter. Criteria: LMM Criteria. Collection method: clinical testing. Allele origin: germline. Observed: 1 variant allele.
Comment: p.Pro1429Pro in Exon 35 of CDH23: This variant is not expected to have clinical significance because it does not alter an amino acid residue, is not located wit hin the splice consensus sequence, and has been identified in 0.2% (24/9786) of African chromosomes by the Exome Aggregation Consortium (ExAC; dbSNP rs377493327).

PreventionGenetics, part of Exact Sciences
Classification: Likely benign for CDH23-related condition. Last evaluated: 2019-11-26. Review status: no assertion criteria provided. Collection method: clinical testing. Allele origin: germline. Not counted in ClinVar's aggregate classification.
Comment: This variant is classified as likely benign based on ACMG/AMP sequence variant interpretation guidelines (Richards et al. 2015 PMID: 25741868, with internal and published modifications).